The following is an entry in ClinVar:

NM_020778.5(ALPK3):c.3543del (p.Thr1182fs)

Gene: ALPK3 (alpha kinase 3; plus strand). Cytogenetic location: 15q25.3.
Variant type: Deletion.
Coding change: c.3543del on transcript NM_020778.5 (MANE Select); coding-DNA position 3543, one base deleted (C; older notation c.3543delC).
Protein change: p.Thr1182fs; shifts the reading frame from threonine 1182.
Molecular consequence: frameshift variant.
Genome position (GRCh38, 1-based): chr15:84,858,281, C deleted; the last of 2 consecutive C bases (chr15:84,858,280-84,858,281); deleting either gives the same sequence. VCF-style (leftmost placement, unchanged base first): chr15-84858279-AC-A. GRCh37 (hg19) VCF-style: chr15-85401510-AC-A.
Other names: short protein forms T1182fs.
Identifiers: ClinVar variation 3859160 (VCV003859160.1).
Genomic context (GRCh38, chr15:84,858,279, plus strand): 5'-CTAGGGGCCCGGAGGAAGAGATTTCTCCCTAAGGTCAGAGCAGCAGGAGACGGGGAGGCA[AC>A]CACACCTGAAGAAAGGGAGAGCCCCACGGTTTCCCCCCGGGGGCCCAGGAAAAGCCTGGT-3'

ClinVar aggregate classification (germline): Pathogenic (1 of 4 stars; one submission).

Conditions:
Cardiovascular phenotype. Identifiers: MedGen CN230736.

Submission:

Ambry Genetics
Classification: Pathogenic for Cardiovascular phenotype. Last evaluated: 2024-12-16. Review status: criteria provided, single submitter. Criteria: Ambry Variant Classification Scheme 2023. Collection method: clinical testing. Allele origin: germline.
Comment: The c.4149delC pathogenic mutation, located in coding exon 6 of the ALPK3 gene, results from a deletion of one nucleotide at nucleotide position 4149, causing a translational frameshift with a predicted alternate stop codon (p.T1384Hfs*90). This variant is considered to be rare based on population cohorts in the Genome Aggregation Database (gnomAD). This alteration is expected to result in loss of function by premature protein truncation or nonsense-mediated mRNA decay. As such, this alteration is interpreted as a disease-causing mutation.